The following is an entry in ClinVar:

NM_199242.3(UNC13D):c.683+5G>A

Gene: UNC13D (unc-13 homolog D; minus strand). Cytogenetic location: 17q25.1.
Variant type: single nucleotide variant.
Coding change: c.683+5G>A on transcript NM_199242.3 (MANE Select); 5 bases into the intron after coding-DNA position 683, G replaced by A.
Molecular consequence: intron variant.
Genome position (GRCh38, 1-based): chr17:75,840,757, C>T on the plus strand (G>A on the coding strand, the complement: UNC13D is on the minus strand). VCF-style: chr17-75840757-C-T. GRCh37 (hg19) VCF-style: chr17-73836838-C-T.
Identifiers: ClinVar variation 2182138 (VCV002182138.2), dbSNP rs554536271, ClinGen allele CA8773352.
Genomic context (GRCh38, chr17:75,840,757, plus strand): 5'-GCATGTTGGGGGATGGAGGGCAAAAGGAGCCCCAACCCCTTCCCTGTGAGCCCTGCAACA[C>T]GAACCTGCGAAGCCCATGCAGATCCGTGAGCTCCCCAAGCTTCTGTCGGACAGACTCCAC-3'

ClinVar aggregate classification (germline): Uncertain significance (1 of 4 stars; one submission).

Conditions:
Familial hemophagocytic lymphohistiocytosis 3 (FHL3). Also called: UNC13D-Related Familial Hemophagocytic Lymphohistiocytosis (UNC13D-fHLH). Identifiers: Orphanet 540, MedGen C1837174, MONDO:0012146, OMIM 608898.

Allele frequency attached by ClinVar (database versions not stated): ExAC 0.00002; gnomAD 0.00002; 1000 Genomes Project 30x 0.00016; 1000 Genomes Project 0.00020.

Submission:

Labcorp Genetics (formerly Invitae), Labcorp
Classification: Uncertain significance for Familial hemophagocytic lymphohistiocytosis 3. Last evaluated: 2024-07-22. Review status: criteria provided, single submitter. Criteria: Invitae Variant Classification Sherloc (09022015). Collection method: clinical testing. Allele origin: germline.
Comment: This sequence change falls in intron 8 of the UNC13D gene. It does not directly change the encoded amino acid sequence of the UNC13D protein. It affects a nucleotide within the consensus splice site. This variant is present in population databases (rs554536271, gnomAD 0.006%). This variant has not been reported in the literature in individuals affected with UNC13D-related conditions. ClinVar contains an entry for this variant (Variation ID: 2182138). Variants that disrupt the consensus splice site are a relatively common cause of aberrant splicing (PMID: 17576681, 9536098). Algorithms developed to predict the effect of sequence changes on RNA splicing suggest that this variant may disrupt the consensus splice site. In summary, the available evidence is currently insufficient to determine the role of this variant in disease. Therefore, it has been classified as a Variant of Uncertain Significance.

Literature cited by the submitters: PubMed 17576681; PubMed 9536098.